The following is an entry in ClinVar:

ClinVar aggregate classification (germline): Pathogenic (1 of 4 stars; one submission).

Conditions:
Bardet-Biedl syndrome (BBS). Identifiers: Orphanet 110, MedGen C0752166, MONDO:0015229.

Submission:

Labcorp Genetics (formerly Invitae), Labcorp
Classification: Pathogenic for Bardet-Biedl syndrome. Last evaluated: 2022-08-19. Review status: criteria provided, single submitter. Criteria: Invitae Variant Classification Sherloc (09022015). Collection method: clinical testing. Allele origin: germline.
Comment: This variant is a gross deletion of the genomic region encompassing exon(s) 6-7 of the BBS5 gene. This deletion is out-of-frame, and is expected to create a premature termination codon and result in an absent or disrupted protein product. Loss-of-function variants in BBS5 are known to be pathogenic (PMID: 15137946, 16877420, 26325687, 27708425, 28041643, 29806606). A similar copy number variant has been observed in individual(s) with Bardet-Biedl syndrome (PMID: 21344540). This variant is also known as c.387-618del232. For these reasons, this variant has been classified as Pathogenic.

Literature cited by the submitters: PubMed 15137946; PubMed 16877420; PubMed 26325687; PubMed 27708425; PubMed 28041643; PubMed 29806606; PubMed 21344540.

NC_000002.11:g.(?_170349364)_(170350366_?)del

Gene: BBS5 (Bardet-Biedl syndrome 5; plus strand). Cytogenetic location: 2q31.1.
Variant type: Deletion.
Identifiers: ClinVar variation 2427373 (VCV002427373.3).